The following is an entry in ClinVar:

ClinVar aggregate classification (germline): Uncertain significance (1 of 4 stars; one submission).

Allele frequency attached by ClinVar (database versions not stated): TOPMed below 0.00001; ExAC 0.00001; gnomAD 0.00001; ESP Exome Variant Server 0.00008.
gnomAD v4.1: 21 of 1,613,174 alleles (0.0013%); highest among the groups gnomAD compares: Non-Finnish European, 0.0017%; no homozygotes.

Submission:

Labcorp Genetics (formerly Invitae), Labcorp
Classification: Uncertain significance. Last evaluated: 2022-03-13. Review status: criteria provided, single submitter. Criteria: Invitae Variant Classification Sherloc (09022015). Collection method: clinical testing. Allele origin: germline.
Comment: This sequence change replaces alanine, which is neutral and non-polar, with valine, which is neutral and non-polar, at codon 4721 of the USH2A protein (p.Ala4721Val). This variant is not present in population databases (gnomAD no frequency). This variant has not been reported in the literature in individuals affected with USH2A-related conditions. Algorithms developed to predict the effect of missense changes on protein structure and function output the following: SIFT: "Tolerated"; PolyPhen-2: "Benign"; Align-GVGD: "Class C0". The valine amino acid residue is found in multiple mammalian species, which suggests that this missense change does not adversely affect protein function. In summary, the available evidence is currently insufficient to determine the role of this variant in disease. Therefore, it has been classified as a Variant of Uncertain Significance.

NM_206933.4(USH2A):c.14162C>T (p.Ala4721Val)

Gene: USH2A (usherin; minus strand). Cytogenetic location: 1q41.
Variant type: single nucleotide variant.
Coding change: c.14162C>T on transcript NM_206933.4 (MANE Select); coding-DNA position 14162, C replaced by T.
Protein change: p.Ala4721Val; replaces alanine 4721 with valine.
Molecular consequence: missense variant.
Genome position (GRCh38, 1-based): chr1:215,650,773, G>A on the plus strand (C>T on the coding strand, the complement: USH2A is on the minus strand). VCF-style: chr1-215650773-G-A. GRCh37 (hg19) VCF-style: chr1-215824115-G-A.
Other names: short protein forms A4721V.
Identifiers: ClinVar variation 2154689 (VCV002154689.1), dbSNP rs141656551, ClinGen allele CA1393107.